The following is an entry in ClinVar:

NM_022455.5(NSD1):c.6605G>T (p.Cys2202Phe)

Gene: NSD1 (nuclear receptor binding SET domain protein 1; plus strand). Cytogenetic location: 5q35.3.
Variant type: single nucleotide variant.
Coding change: c.6605G>T on transcript NM_022455.5 (MANE Select); coding-DNA position 6605, G replaced by T.
Protein change: p.Cys2202Phe; replaces cysteine 2202 with phenylalanine.
Molecular consequence: missense variant.
Genome position (GRCh38, 1-based): chr5:177,293,973, G>T. VCF-style: chr5-177293973-G-T. GRCh37 (hg19) VCF-style: chr5-176720974-G-T.
Other names: c.5732G>T, p.Cys1911Phe (NM_001365684.2, NM_172349.5, NM_001409308.1); c.6605G>T, p.Cys2202Phe (NM_001409301.1, NM_001409302.1, NM_001409303.1); c.6185G>T, p.Cys2062Phe (NM_001409304.1); c.5852G>T, p.Cys1951Phe (NM_001409305.1); c.5843G>T, p.Cys1948Phe (NM_001409306.1, NM_001409307.1); c.5483G>T, p.Cys1828Phe (NM_001409309.1); short protein forms C1933F, C1828F, C1911F, C2062F, C1948F, C2202F, C1951F.
Identifiers: ClinVar variation 2077350 (VCV002077350.4), dbSNP rs121908071, ClinGen allele CA362324284.

ClinVar aggregate classification (germline): Likely pathogenic (1 of 4 stars; one submission).

Submission:

Labcorp Genetics (formerly Invitae), Labcorp
Classification: Likely pathogenic. Last evaluated: 2024-04-29. Review status: criteria provided, single submitter. Criteria: Invitae Variant Classification Sherloc (09022015). Collection method: clinical testing. Allele origin: germline.
Comment: This sequence change replaces cysteine, which is neutral and slightly polar, with phenylalanine, which is neutral and non-polar, at codon 2202 of the NSD1 protein (p.Cys2202Phe). This variant is not present in population databases (gnomAD no frequency). This missense change has been observed in individual(s) with Sotos syndrome (Invitae). ClinVar contains an entry for this variant (Variation ID: 2077350). Advanced modeling of protein sequence and biophysical properties (such as structural, functional, and spatial information, amino acid conservation, physicochemical variation, residue mobility, and thermodynamic stability) performed at Invitae indicates that this missense variant is expected to disrupt NSD1 protein function with a positive predictive value of 95%. This variant disrupts the p.Cys2202 amino acid residue in NSD1. Other variant(s) that disrupt this residue have been determined to be pathogenic (PMID: 16222665; Invitae). This suggests that this residue is clinically significant, and that variants that disrupt this residue are likely to be disease-causing. In summary, the currently available evidence indicates that the variant is pathogenic, but additional data are needed to prove that conclusively. Therefore, this variant has been classified as Likely Pathogenic.

Literature cited by the submitters: PubMed 16222665.